The following is an entry in ClinVar:

NM_000548.5(TSC2):c.4417A>C (p.Lys1473Gln)

Gene: TSC2 (TSC complex subunit 2; plus strand). Cytogenetic location: 16p13.3.
Variant type: single nucleotide variant.
Coding change: c.4417A>C on transcript NM_000548.5 (MANE Select); coding-DNA position 4417, A replaced by C.
Protein change: p.Lys1473Gln; replaces lysine 1473 with glutamine.
Molecular consequence: missense variant.
Genome position (GRCh38, 1-based): chr16:2,084,639, A>C. VCF-style: chr16-2084639-A-C. GRCh37 (hg19) VCF-style: chr16-2134640-A-C.
Other names: c.4216A>C, p.Lys1406Gln (NM_001077183.3); c.4348A>C, p.Lys1450Gln (NM_001114382.3); c.4108A>C, p.Lys1370Gln (NM_001318827.2); c.4072A>C, p.Lys1358Gln (NM_001318829.2); c.3685A>C, p.Lys1229Gln (NM_001318831.2); c.4249A>C, p.Lys1417Gln (NM_001318832.2); c.4219A>C, p.Lys1407Gln (NM_001363528.2); c.4285A>C, p.Lys1429Gln (NM_001370404.1); and 1 more; short protein forms K1473Q, K1229Q, K1358Q, K1417Q, K1430Q, K1429Q, K1370Q, K1406Q.
Identifiers: ClinVar variation 65182 (VCV000065182.5), dbSNP rs397515136, ClinGen allele CA020420.

ClinVar aggregate classification (germline): Uncertain significance. Review status: criteria provided, multiple submitters, no conflicts (2 of 4 stars). 3 submissions from 3 submitters: Uncertain significance (2). 1 of the submissions does not count toward it. Last evaluated 2024-02-02.

Conditions:
Hereditary cancer-predisposing syndrome. Also called: Tumor predisposition; Hereditary Cancer Syndrome; Neoplastic Syndromes, Hereditary; Hereditary neoplastic syndrome. Identifiers: Orphanet 140162, MedGen C0027672, MeSH D009386, MONDO:0015356.
Isolated focal cortical dysplasia type II (FCORD2). Also called: CORTICAL DYSPLASIA OF TAYLOR; Focal cortical dysplasia type II. Identifiers: Orphanet 268994, MedGen C1846385, MONDO:0011818, OMIM 607341, HP:0032051.
Tuberous sclerosis 2 (TSC2). Identifiers: Orphanet 805, MedGen C1860707, MONDO:0013199, OMIM 613254.
Lymphangiomyomatosis (LAM). Also called: Lymphangioleiomyomatosis; Lymphangioleiomyomatosis, somatic. Identifiers: Orphanet 538, MedGen C0751674, MONDO:0011705, OMIM 606690.
Tuberous sclerosis syndrome (TSC). Also called: Tuberous Sclerosis Complex; Tuberous sclerosis. Identifiers: Orphanet 805, MedGen C0041341, MONDO:0001734.

Submissions (3):

Fulgent Genetics
Classification: Uncertain significance for Lymphangiomyomatosis; Isolated focal cortical dysplasia type II; Tuberous sclerosis 2. Last evaluated: 2024-02-02. Review status: criteria provided, single submitter. Criteria: ACMG Guidelines, 2015. Collection method: clinical testing. Allele origin: germline.

Ambry Genetics
Classification: Uncertain significance for Hereditary cancer-predisposing syndrome. Last evaluated: 2023-04-18. Review status: criteria provided, single submitter. Criteria: Ambry Variant Classification Scheme 2023. Collection method: clinical testing. Allele origin: germline.
Comment: The p.K1473Q variant (also known as c.4417A>C), located in coding exon 33 of the TSC2 gene, results from an A to C substitution at nucleotide position 4417. The lysine at codon 1473 is replaced by glutamine, an amino acid with similar properties. This amino acid position is conserved. In addition, the in silico prediction for this alteration is inconclusive. Since supporting evidence is limited at this time, the clinical significance of this alteration remains unclear.

Tuberous sclerosis database (TSC2)
No classification provided. Condition: TSC. Review status: no classification provided. Criteria: Tuberous Sclerosis Database Assertion Criteria 2015. Collection method: curation. Allele origin: germline. Affected: yes. Not counted in ClinVar's aggregate classification.